The following is an entry in ClinVar:

NM_001267550.2(TTN):c.2646C>T (p.Pro882=)

Gene: TTN (titin; minus strand). Cytogenetic location: 2q31.2.
Variant type: single nucleotide variant.
Coding change: c.2646C>T on transcript NM_001267550.2 (MANE Select); coding-DNA position 2646, C replaced by T.
Protein change: p.Pro882=; no amino-acid change (proline 882 retained).
Molecular consequence: synonymous variant.
Genome position (GRCh38, 1-based): chr2:178,784,199, G>A on the plus strand (C>T on the coding strand, the complement: TTN is on the minus strand). VCF-style: chr2-178784199-G-A. GRCh37 (hg19) VCF-style: chr2-179648926-G-A.
Other names: c.2646C>T, p.Pro882= (NM_001256850.1, NM_133378.4, NM_133379.5); c.2508C>T, p.Pro836= (NM_003319.4, NM_133432.3, NM_133437.4).
Identifiers: ClinVar variation 2926759 (VCV002926759.4), dbSNP rs760697049, ClinGen allele CA2005770.
Genomic context (GRCh38, chr2:178,784,199, plus strand): 5'-TACTTCCTTTTTCACCTCAACGCCAGCTTCACTCTTGTAAGTATCTGGTGTGTCAGCGAA[G>A]GGGAACTGTGGCAAGGGTGTGGGCTCTGCCCTTACTCTAGTCTCACTGGGCTTCACAGTA-3'
Protein context (NP_001254479.2, residues 872-892): RAEPTPLPQF[Pro882=]FADTPDTYKS

ClinVar aggregate classification (germline): Conflicting classifications of pathogenicity. Review status: criteria provided, conflicting classifications (1 of 4 stars). 2 submissions from 2 submitters: Uncertain significance (1); Likely benign (1). Last evaluated 2026-05-08.

Conditions:
Cardiovascular phenotype. Identifiers: MedGen CN230736.
Autosomal recessive limb-girdle muscular dystrophy type 2J (LGMDR10). Also called: Limb-girdle muscular dystrophy, type 2J; MUSCULAR DYSTROPHY, LIMB-GIRDLE, AUTOSOMAL RECESSIVE 10. Identifiers: Orphanet 140922, MedGen C1837342, MONDO:0012127, OMIM 608807.
Dilated cardiomyopathy 1G (CMD1G). Identifiers: Orphanet 154, MedGen C1858763, MONDO:0011400, OMIM 604145.

Allele frequency attached by ClinVar (database versions not stated): ExAC 0.00003; TOPMed 0.00004; gnomAD 0.00002.
gnomAD v4.1: 10 of 1,614,184 alleles (0.00062%); highest among the groups gnomAD compares: East Asian, 0.022%; no homozygotes.

Submissions (2):

Ambry Genetics
Classification: Uncertain significance for Cardiovascular phenotype. Last evaluated: 2026-05-08. Review status: criteria provided, single submitter. Criteria: Ambry Variant Classification Scheme 2023. Collection method: clinical testing. Allele origin: germline.
Comment: The c.2508C>T variant (also known as p.P836P), located in coding exon 14 of the TTN gene, results from a C to T substitution at nucleotide position 2508. This nucleotide substitution does not change the at codon 836. This nucleotide position is not well conserved in available vertebrate species. In silico splice site analysis for this alteration is inconclusive. Based on the available evidence, the clinical significance of this variant remains unclear.

Labcorp Genetics (formerly Invitae), Labcorp
Classification: Likely benign for Dilated cardiomyopathy 1G; Autosomal recessive limb-girdle muscular dystrophy type 2J. Last evaluated: 2026-01-07. Review status: criteria provided, single submitter. Criteria: Invitae Variant Classification Sherloc (09022015). Collection method: clinical testing. Allele origin: germline.